The following is an entry in ClinVar:

NM_000257.4(MYH7):c.4831G>T (p.Ala1611Ser)

Genes: MHRT (myosin heavy chain associated RNA transcript; plus strand), MYH7 (myosin heavy chain 7; minus strand), LOC126861897 (BRD4-independent group 4 enhancer GRCh37_chr14:23884455-23885654; plus strand). Cytogenetic location: 14q11.2.
Variant type: single nucleotide variant.
Coding change: c.4831G>T on transcript NM_000257.4 (MANE Select); coding-DNA position 4831, G replaced by T.
Protein change: p.Ala1611Ser; replaces alanine 1611 with serine.
Molecular consequence: missense variant. On other transcripts: non-coding transcript variant (1).
Genome position (GRCh38, 1-based): chr14:23,416,126, C>A on the plus strand (G>T on the coding strand, the complement: MYH7 is on the minus strand). VCF-style: chr14-23416126-C-A. GRCh37 (hg19) VCF-style: chr14-23885335-C-A.
Other names: p.A1611S:GCC>TCC; c.4831G>T (LRG_384t1); short protein forms A1611S.
Identifiers: ClinVar variation 181392 (VCV000181392.22), dbSNP rs730880913, ClinGen allele CA015382.

ClinVar aggregate classification (germline): Uncertain significance. Review status: criteria provided, multiple submitters, no conflicts (2 of 4 stars). 7 submissions from 7 submitters: Uncertain significance (7). Last evaluated 2025-09-03.

Conditions:
Hypertrophic cardiomyopathy 1 (CMH1). Also called: Familial hypertrophic cardiomyopathy 1; MYH7-Related Familial Hypertrophic Cardiomyopathy. Identifiers: MedGen C3495498, MONDO:0008647, OMIM 192600.
Congenital myopathy with fiber type disproportion. Also called: Congenital fiber-type disproportion myopathy; Congenital fiber-type disproportion. Identifiers: Orphanet 2020, MedGen C0546264, MONDO:0009711. Inheritance: all.
Myopathy, myosin storage, autosomal recessive (CMYO7B). Also called: CONGENITAL MYOPATHY 7B, MYOSIN STORAGE, AUTOSOMAL RECESSIVE. Identifiers: Orphanet 636970, MedGen C1850709, MONDO:0009708, OMIM 255160.
Dilated cardiomyopathy 1S (CMD1S). Identifiers: Orphanet 154, Orphanet 54260, MedGen C1834481, MONDO:0013262, OMIM 613426.
MYH7-related skeletal myopathy. Also called: Myopathy, distal, 1; MYOPATHY, DISTAL, EARLY-ONSET, AUTOSOMAL DOMINANT; MYOPATHY, LATE DISTAL HEREDITARY; Laing early-onset distal myopathy; Laing distal myopathy. Identifiers: Orphanet 59135, MedGen C4552004, MONDO:0008050, OMIM 160500.
Myosin storage myopathy (CMYO7A). Also called: MYOPATHY, HYALINE BODY, AUTOSOMAL DOMINANT; MYOPATHY WITH LYSIS OF TYPE I MYOFIBRILS; SCAPULOPERONEAL MUSCULAR DYSTROPHY; SCAPULOPERONEAL SYNDROME, MYOPATHIC TYPE; MYH7-related late-onset scapuloperoneal muscular dystrophy; Congenital myopathy 7A, myosin storage, autosomal dominant. Identifiers: Orphanet 437572, Orphanet 636965, MedGen C1842160, MONDO:0008409, OMIM 608358.
Cardiovascular phenotype. Identifiers: MedGen CN230736.
Cardiomyopathy (CMYO). Also called: Cardiomyopathies. Identifiers: Orphanet 167848, MedGen C0878544, MONDO:0004994, HP:0001638. Inheritance: Various modes of inheritance.
Hypertrophic cardiomyopathy. Also called: HYPERTROPHIC MYOCARDIOPATHY. Identifiers: Orphanet 217569, MedGen C0007194, MeSH D002312, MONDO:0005045, HP:0001639.

Allele frequency attached by ClinVar (database versions not stated): ExAC 0.00001; gnomAD exomes 0.00001; TOPMed 0.00001; gnomAD 0.00002.
gnomAD v4.1: 22 of 1,614,092 alleles (0.0014%); highest among the groups gnomAD compares: Middle Eastern, 0.016%; 1 homozygote.

Submissions (7):

Women's Health and Genetics/Laboratory Corporation of America, LabCorp
Classification: Uncertain significance. Last evaluated: 2025-09-03. Review status: criteria provided, single submitter. Criteria: LabCorp Variant Classification Summary - May 2015. Collection method: clinical testing. Allele origin: germline.
Comment: Variant summary: MYH7 c.4831G>T (p.Ala1611Ser) results in a conservative amino acid change in the encoded protein sequence. Algorithms developed to predict the effect of missense changes on protein structure and function are either unavailable or do not agree on the potential impact of this missense change. The variant was absent in 251476 control chromosomes. The available data on variant occurrences in the general population are insufficient to allow any conclusion about variant significance. To our knowledge, no occurrence of c.4831G>T in individuals affected with MYH7-related conditions and no experimental evidence demonstrating its impact on protein function have been reported. ClinVar contains an entry for this variant (Variation ID: 181392). Based on the evidence outlined above, the variant was classified as uncertain significance.

Color Diagnostics, LLC DBA Color Health
Classification: Uncertain significance for Cardiomyopathy. Last evaluated: 2025-07-11. Review status: criteria provided, single submitter. Criteria: ACMG Guidelines, 2015. Collection method: clinical testing. Allele origin: germline.
Comment: This missense variant replaces alanine with serine at codon 1611 of the MYH7 protein. Computational prediction is inconclusive regarding the impact of this variant on protein structure and function. To our knowledge, functional studies have not been reported for this variant. This variant has not been reported in individuals affected with MYH7-related disorders in the literature. This variant has not been identified in the general population by the Genome Aggregation Database (gnomAD). The available evidence is insufficient to determine the role of this variant in disease conclusively. Therefore, this variant is classified as a Variant of Uncertain Significance.

Labcorp Genetics (formerly Invitae), Labcorp
Classification: Uncertain significance for Hypertrophic cardiomyopathy. Last evaluated: 2024-11-21. Review status: criteria provided, single submitter. Criteria: Invitae Variant Classification Sherloc (09022015). Collection method: clinical testing. Allele origin: germline.
Comment: This sequence change replaces alanine, which is neutral and non-polar, with serine, which is neutral and polar, at codon 1611 of the MYH7 protein (p.Ala1611Ser). This variant is not present in population databases (gnomAD no frequency). This variant has not been reported in the literature in individuals affected with MYH7-related conditions. ClinVar contains an entry for this variant (Variation ID: 181392). Invitae Evidence Modeling of protein sequence and biophysical properties (such as structural, functional, and spatial information, amino acid conservation, physicochemical variation, residue mobility, and thermodynamic stability) indicates that this missense variant is expected to disrupt MYH7 protein function with a positive predictive value of 95%. In summary, the available evidence is currently insufficient to determine the role of this variant in disease. Therefore, it has been classified as a Variant of Uncertain Significance.

GeneDx
Classification: Uncertain significance. Last evaluated: 2024-07-03. Review status: criteria provided, single submitter. Criteria: GeneDx Variant Classification Process June 2021. Collection method: clinical testing. Allele origin: germline. Affected: yes.
Comment: Has not been previously published as pathogenic or benign in association with a MYH7-related disorder to our knowledge; Not observed at significant frequency in large population cohorts (gnomAD); In silico analysis supports that this missense variant does not alter protein structure/function; This variant is associated with the following publications: (PMID: 34542152)

All of Us Research Program, National Institutes of Health
Classification: Uncertain significance for Cardiomyopathy. Last evaluated: 2024-01-11. Review status: criteria provided, single submitter. Criteria: ACMG Guidelines, 2015. Collection method: clinical testing. Allele origin: germline. Inheritance: Autosomal dominant inheritance. Observed: 2 variant alleles, 2 heterozygotes.
Comment: This missense variant replaces alanine with serine at codon 1611 of the MYH7 protein. Computational prediction is inconclusive regarding the impact of this variant on protein structure and function (internally defined REVEL score threshold 0.5 < inconclusive < 0.7, PMID: 27666373). To our knowledge, functional studies have not been reported for this variant. This variant has not been reported in individuals affected with MYH7-related disorders in the literature. This variant has not been identified in the general population by the Genome Aggregation Database (gnomAD). The available evidence is insufficient to determine the role of this variant in disease conclusively. Therefore, this variant is classified as a Variant of Uncertain Significance.

This study involves interpretation of variants in research participants for the purpose of population health screening. Participant phenotype was not available at the time of variant classification. Additional details can be found in publication PMID: 35346344, PMCID: PMC8962531

Ambry Genetics
Classification: Uncertain significance for Cardiovascular phenotype. Last evaluated: 2023-09-02. Review status: criteria provided, single submitter. Criteria: Ambry Variant Classification Scheme 2023. Collection method: clinical testing. Allele origin: germline.
Comment: The p.A1611S variant (also known as c.4831G>T), located in coding exon 32 of the MYH7 gene, results from a G to T substitution at nucleotide position 4831. The alanine at codon 1611 is replaced by serine, an amino acid with similar properties. This amino acid position is highly conserved in available vertebrate species. In addition, the in silico prediction for this alteration is inconclusive. Since supporting evidence is limited at this time, the clinical significance of this alteration remains unclear.

Fulgent Genetics
Classification: Uncertain significance for MYH7-related skeletal myopathy; Myosin storage myopathy; Hypertrophic cardiomyopathy 1; Myopathy, myosin storage, autosomal recessive; Congenital myopathy 4A, autosomal dominant; Dilated cardiomyopathy 1S. Last evaluated: 2021-09-09. Review status: criteria provided, single submitter. Criteria: ACMG Guidelines, 2015. Collection method: clinical testing. Allele origin: unknown.